The following is an entry in ClinVar:

NM_007194.4(CHEK2):c.366del (p.Glu122fs)

Gene: CHEK2 (checkpoint kinase 2; minus strand). Cytogenetic location: 22q12.1.
Variant type: Deletion.
Coding change: c.366del on transcript NM_007194.4 (MANE Select); coding-DNA position 366, one base deleted (A; older notation c.366delA).
Protein change: p.Glu122fs; shifts the reading frame from glutamic acid 122.
Molecular consequence: frameshift variant.
Genome position (GRCh38, 1-based): chr22:28,725,321, T deleted on the plus strand (A on the coding strand, the reverse complement: CHEK2 is on the minus strand); the first of 2 consecutive T bases (chr22:28,725,321-28,725,322); deleting either gives the same sequence. VCF-style (leftmost placement, unchanged base first): chr22-28725320-AT-A. GRCh37 (hg19) VCF-style: chr22-29121308-AT-A.
Other names: c.366del (NM_007194.3); c.494delA, p.Glu165Aspfs (NM_001005735.3); c.-413delA (NM_001257387.3); c.365delA, p.Glu122Aspfs (NM_001349956.3, NM_145862.3); short protein forms E122fs, E165fs.
Identifiers: ClinVar variation 460827 (VCV000460827.15), dbSNP rs1555927302, ClinGen allele CA658656837.

ClinVar aggregate classification (germline): Pathogenic. Review status: criteria provided, multiple submitters, no conflicts (2 of 4 stars). 4 submissions from 4 submitters: Pathogenic (4). Last evaluated 2025-05-14.

Conditions:
Familial cancer of breast. Also called: BREAST CANCER, FAMILIAL; hereditary breast carcinoma; Hereditary breast cancer. Identifiers: Orphanet 227535, MedGen C0346153, MONDO:0016419, OMIM 114480. Disease mechanism: loss of function.
Hereditary cancer-predisposing syndrome. Also called: Neoplastic Syndromes, Hereditary; Tumor predisposition; Hereditary Cancer Syndrome; Hereditary neoplastic syndrome. Identifiers: Orphanet 140162, MedGen C0027672, MeSH D009386, MONDO:0015356.

Submissions (4):

Ambry Genetics
Classification: Pathogenic for Hereditary cancer-predisposing syndrome. Last evaluated: 2025-05-14. Review status: criteria provided, single submitter. Criteria: Ambry Variant Classification Scheme 2023. Collection method: clinical testing. Allele origin: germline.
Comment: The c.366delA pathogenic mutation, located in coding exon 2 of the CHEK2 gene, results from a deletion of one nucleotide at nucleotide position 366, causing a translational frameshift with a predicted alternate stop codon (p.E122Dfs*9). This alteration was identified in an individual diagnosed with breast cancer (Kleiblova P et al. Int J Cancer, 2019 10;145:1782-1797). In addition to the clinical data presented in the literature, this alteration is expected to result in loss of function by premature protein truncation or nonsense-mediated mRNA decay. As such, this alteration is interpreted as a disease-causing mutation.

Labcorp Genetics (formerly Invitae), Labcorp
Classification: Pathogenic for Familial cancer of breast. Last evaluated: 2024-11-19. Review status: criteria provided, single submitter. Criteria: Invitae Variant Classification Sherloc (09022015). Collection method: clinical testing. Allele origin: germline.
Comment: This sequence change creates a premature translational stop signal (p.Glu122Aspfs*9) in the CHEK2 gene. It is expected to result in an absent or disrupted protein product. Loss-of-function variants in CHEK2 are known to be pathogenic (PMID: 21876083, 24713400). This variant is not present in population databases (gnomAD no frequency). This variant has not been reported in the literature in individuals affected with CHEK2-related conditions. ClinVar contains an entry for this variant (Variation ID: 460827). For these reasons, this variant has been classified as Pathogenic.

Myriad Genetics, Inc.
Classification: Pathogenic for Familial cancer of breast. Last evaluated: 2023-06-23. Review status: criteria provided, single submitter. Criteria: Myriad Autosomal Dominant, Autosomal Recessive and X-Linked Classification Criteria (2023). Collection method: clinical testing. Allele origin: unknown.
Comment: This variant is considered pathogenic. This variant creates a frameshift predicted to result in premature protein truncation.

Color Diagnostics, LLC DBA Color Health
Classification: Pathogenic for Hereditary cancer-predisposing syndrome. Last evaluated: 2020-11-02. Review status: criteria provided, single submitter. Criteria: ACMG Guidelines, 2015. Collection method: clinical testing. Allele origin: germline.
Comment: This variant deletes 1 nucleotide in exon 3 of the CHEK2 gene, creating a frameshift and premature translation stop signal. This variant is expected to result in an absent or non-functional protein product. To our knowledge, this variant has not been reported in individuals affected with hereditary cancer in the literature. This variant has not been identified in the general population by the Genome Aggregation Database (gnomAD). Loss of CHEK2 function is a known mechanism of disease. Based on the available evidence, this variant is classified as Pathogenic.

Literature cited by the submitters: PubMed 31050813 (cited by Ambry Genetics); PubMed 21876083 (cited by Labcorp Genetics (formerly Invitae), Labcorp); PubMed 24713400 (cited by Labcorp Genetics (formerly Invitae), Labcorp).